The following is an entry in ClinVar:

ClinVar aggregate classification (germline): Conflicting classifications of pathogenicity. Review status: criteria provided, conflicting classifications (1 of 4 stars). 2 submissions from 2 submitters: Pathogenic (1); Uncertain significance (1). Last evaluated 2023-02-13.

Conditions:
Cardiovascular phenotype. Identifiers: MedGen CN230736.
Hereditary cancer-predisposing syndrome. Also called: Tumor predisposition; Hereditary Cancer Syndrome; Neoplastic Syndromes, Hereditary; Hereditary neoplastic syndrome. Identifiers: Orphanet 140162, MedGen C0027672, MeSH D009386, MONDO:0015356.
Neurofibromatosis, type 1 (NF1). Also called: VON RECKLINGHAUSEN DISEASE; NEUROFIBROMATOSIS, TYPE I, SOMATIC; Peripheral type neurofibromatosis; Neurofibromatosis, type I. Identifiers: Orphanet 636, MedGen C0027831, MONDO:0018975, OMIM 162200. Disease mechanism: loss of function.

Submissions (2):

Labcorp Genetics (formerly Invitae), Labcorp
Classification: Pathogenic for Neurofibromatosis, type 1. Last evaluated: 2023-02-13. Review status: criteria provided, single submitter. Criteria: Invitae Variant Classification Sherloc (09022015). Collection method: clinical testing. Allele origin: germline.
Comment: For these reasons, this variant has been classified as Pathogenic. Algorithms developed to predict the effect of sequence changes on RNA splicing suggest that this variant may disrupt the consensus splice site. ClinVar contains an entry for this variant (Variation ID: 971802). Disruption of this splice site has been observed in individuals with neurofibromatosis type 1 (PMID: 17426081; Invitae). This variant is not present in population databases (gnomAD no frequency). This sequence change affects a donor splice site in intron 9 of the NF1 gene. It is expected to disrupt RNA splicing. Variants that disrupt the donor or acceptor splice site typically lead to a loss of protein function (PMID: 16199547), and loss-of-function variants in NF1 are known to be pathogenic (PMID: 10712197, 23913538).

Ambry Genetics
Classification: Uncertain significance for Cardiovascular phenotype; Hereditary cancer-predisposing syndrome. Last evaluated: 2021-06-04. Review status: criteria provided, single submitter. Criteria: Ambry Variant Classification Scheme 2023. Collection method: clinical testing. Allele origin: germline.
Comment: The c.1062+2T>G intronic variant results from a T to G substitution two nucleotides after coding exon 9 in the NF1 gene. Alterations that disrupt the canonical splice site are expected to result in aberrant splicing. A different alteration predicted to impact the same donor splice site (c.1062G>A) has been reported in individuals with confirmed or suspected clinical diagnoses of neurofibromatosis type 1 (Fahsold et al. Am. J. Hum. Genet. 2000 Mar; 66(3):790-818; Pros et al. Hum. Mutat. 2008 Sep; 29(9):E173-93; Ambry internal data). In silico splice site analysis predicts that this alteration will weaken the native splice donor site. The resulting transcript is predicted to be in-frame and is not expected to trigger nonsense-mediated mRNA decay; however, direct evidence is unavailable. The exact functional effect of the altered amino acid sequence is unknown. This nucleotide position is highly conserved in available vertebrate species. Since supporting evidence is limited at this time, the clinical significance of this alteration remains unclear.

Literature cited by the submitters: PubMed 17426081 (cited by Labcorp Genetics (formerly Invitae), Labcorp); PubMed 16199547 (cited by Labcorp Genetics (formerly Invitae), Labcorp); PubMed 10712197 (cited by Labcorp Genetics (formerly Invitae), Labcorp); PubMed 23913538 (cited by Labcorp Genetics (formerly Invitae), Labcorp).

NM_001042492.3(NF1):c.1062+2T>G

Gene: NF1 (neurofibromin 1; plus strand). Cytogenetic location: 17q11.2.
Variant type: single nucleotide variant.
Coding change: c.1062+2T>G on transcript NM_001042492.3 (MANE Select); the canonical splice donor site of the intron after coding-DNA position 1062, T replaced by G.
Molecular consequence: splice donor variant.
Genome position (GRCh38, 1-based): chr17:31,200,597, T>G. VCF-style: chr17-31200597-T-G. GRCh37 (hg19) VCF-style: chr17-29527615-T-G.
Other names: c.1062+2T>G (NM_000267.4, NM_001128147.3).
Identifiers: ClinVar variation 971802 (VCV000971802.6), dbSNP rs2066510391, ClinGen allele CA398996585.
Genomic context (GRCh38, chr17:31,200,597, plus strand): 5'-ATTGGGAAGATAACTCTGTCATTTTCCTACTTGTTCAGTCCATGGTGGTTGATCTTAAGG[T>G]AACATGCTTATTCTTTCTCTACTACAAACTTTAAGAAAATTAAATGAATTTTCTAGCATA-3'